The following is an entry in ClinVar:

ClinVar aggregate classification (germline): Uncertain significance. Review status: criteria provided, multiple submitters, no conflicts (2 of 4 stars). 4 submissions from 4 submitters: Uncertain significance (4). Last evaluated 2026-02-20.

Conditions:
Neuroblastoma, susceptibility to, 3. Also called: ALK-Related Neuroblastic Tumor Susceptibility. Identifiers: Orphanet 635, MedGen C2751681, MONDO:0013083, OMIM 613014.
Hereditary cancer-predisposing syndrome. Also called: Neoplastic Syndromes, Hereditary; Hereditary neoplastic syndrome; Tumor predisposition; Hereditary Cancer Syndrome. Identifiers: Orphanet 140162, MedGen C0027672, MeSH D009386, MONDO:0015356.

Allele frequency attached by ClinVar (database versions not stated): gnomAD exomes below 0.00001 and 0.00001; ExAC 0.00001; TOPMed 0.00001.
gnomAD v4.1: 5 of 1,613,954 alleles (0.00031%); highest among the groups gnomAD compares: African/African-American, 0.0027%; no homozygotes.

Submissions (4):

St. Jude Molecular Pathology, St. Jude Children's Research Hospital
Classification: Uncertain significance for Neuroblastoma, susceptibility to, 3. Last evaluated: 2026-02-20. Review status: criteria provided, single submitter. Criteria: St. Jude Assertion Criteria 2020. Collection method: clinical testing. Allele origin: germline.
Comment: The ALK c.3376G>A p.(Ala1126Thr) missense change has a maximum subpopulation frequency of 0.0062% in gnomAD v2.1.1. The in silico tool REVEL predicts a deleterious effect on protein function, b ut to our knowledge this prediction has not been confirmed by functional studies. To our knowledge, this variant has not been reported in the literature in individuals with ALK-related neuroblastic tumor susceptibility. In summary, the evidence currently available is insufficient to determine the clinical significance of this variant. It has therefore been classified as of uncertain significance.

Labcorp Genetics (formerly Invitae), Labcorp
Classification: Uncertain significance for Neuroblastoma, susceptibility to, 3. Last evaluated: 2025-04-20. Review status: criteria provided, single submitter. Criteria: Invitae Variant Classification Sherloc (09022015). Collection method: clinical testing. Allele origin: germline.
Comment: This sequence change replaces alanine, which is neutral and non-polar, with threonine, which is neutral and polar, at codon 1126 of the ALK protein (p.Ala1126Thr). This variant is present in population databases (rs757580052, gnomAD 0.007%). This variant has not been reported in the literature in individuals affected with ALK-related conditions. ClinVar contains an entry for this variant (Variation ID: 843692). An algorithm developed to predict the effect of missense changes on protein structure and function (PolyPhen-2) suggests that this variant is likely to be disruptive. In summary, the available evidence is currently insufficient to determine the role of this variant in disease. Therefore, it has been classified as a Variant of Uncertain Significance.

Ambry Genetics
Classification: Uncertain significance for Hereditary cancer-predisposing syndrome. Last evaluated: 2024-02-17. Review status: criteria provided, single submitter. Criteria: Ambry Variant Classification Scheme 2023. Collection method: clinical testing. Allele origin: germline.
Comment: The p.A1126T variant (also known as c.3376G>A), located in coding exon 21 of the ALK gene, results from a G to A substitution at nucleotide position 3376. The alanine at codon 1126 is replaced by threonine, an amino acid with similar properties. This amino acid position is highly conserved in available vertebrate species. In addition, this alteration is predicted to be deleterious by in silico analysis. Since supporting evidence is limited at this time, the clinical significance of this alteration remains unclear.

Baylor Genetics
Classification: Uncertain significance for Neuroblastoma, susceptibility to, 3. Last evaluated: 2023-12-01. Review status: criteria provided, single submitter. Criteria: ACMG Guidelines, 2015. Collection method: clinical testing. Allele origin: unknown.

NM_004304.5(ALK):c.3376G>A (p.Ala1126Thr)

Gene: ALK (ALK receptor tyrosine kinase; minus strand). Cytogenetic location: 2p23.2.
Variant type: single nucleotide variant.
Coding change: c.3376G>A on transcript NM_004304.5 (MANE Select); coding-DNA position 3376, G replaced by A.
Protein change: p.Ala1126Thr; replaces alanine 1126 with threonine.
Molecular consequence: missense variant.
Genome position (GRCh38, 1-based): chr2:29,222,591, C>T on the plus strand (G>A on the coding strand, the complement: ALK is on the minus strand). VCF-style: chr2-29222591-C-T. GRCh37 (hg19) VCF-style: chr2-29445457-C-T.
Other names: c.172G>A, p.Ala58Thr (NM_001353765.2); short protein forms A1126T, A58T.
Identifiers: ClinVar variation 843692 (VCV000843692.13), dbSNP rs757580052, ClinGen allele CA1593968.